The following is an entry in ClinVar:

ClinVar aggregate classification (germline): Uncertain significance. Review status: criteria provided, multiple submitters, no conflicts (2 of 4 stars). 3 submissions from 3 submitters: Uncertain significance (2). 1 of the submissions does not count toward it. Last evaluated 2024-12-31.

Conditions:
Usher syndrome type 1B (USH1B). Also called: Usher syndrome type IB. Identifiers: MedGen C1848638, MONDO:0700087.

Allele frequency attached by ClinVar (database versions not stated): gnomAD 0.00001; TOPMed 0.00001; gnomAD exomes 0.00002 and 0.00007.
gnomAD v4.1: 25 of 1,555,916 alleles (0.0016%); highest among the groups gnomAD compares: East Asian, 0.026%; no homozygotes.

Submissions (3):

Labcorp Genetics (formerly Invitae), Labcorp
Classification: Uncertain significance. Last evaluated: 2024-12-31. Review status: criteria provided, single submitter. Criteria: Invitae Variant Classification Sherloc (09022015). Collection method: clinical testing. Allele origin: germline.
Comment: This sequence change falls in intron 29 of the MYO7A gene. It does not directly change the encoded amino acid sequence of the MYO7A protein. It affects a nucleotide within the consensus splice site. This variant is present in population databases (rs764701863, gnomAD 0.06%). This variant has been observed in individual(s) with clinical features of MYO7A-related condition (PMID: 36597107). ClinVar contains an entry for this variant (Variation ID: 970771). Variants that disrupt the consensus splice site are a relatively common cause of aberrant splicing (PMID: 17576681, 9536098). Algorithms developed to predict the effect of sequence changes on RNA splicing suggest that this variant is not likely to affect RNA splicing. In summary, the available evidence is currently insufficient to determine the role of this variant in disease. Therefore, it has been classified as a Variant of Uncertain Significance.

Women's Health and Genetics/Laboratory Corporation of America, LabCorp
Classification: Uncertain significance. Last evaluated: 2023-02-11. Review status: criteria provided, single submitter. Criteria: LabCorp Variant Classification Summary - May 2015. Collection method: clinical testing. Allele origin: germline.

Natera, Inc.
Classification: Uncertain significance for Usher syndrome type 1B. Last evaluated: 2020-02-26. Review status: no assertion criteria provided. Collection method: clinical testing. Allele origin: germline. Not counted in ClinVar's aggregate classification.

Literature cited by the submitters: PubMed 36597107 (cited by Labcorp Genetics (formerly Invitae), Labcorp); PubMed 17576681 (cited by Labcorp Genetics (formerly Invitae), Labcorp); PubMed 9536098 (cited by Labcorp Genetics (formerly Invitae), Labcorp).

NM_000260.4(MYO7A):c.3750+4C>T

Gene: MYO7A (myosin VIIA; plus strand). Cytogenetic location: 11q13.5.
Variant type: single nucleotide variant.
Coding change: c.3750+4C>T on transcript NM_000260.4 (MANE Select); 4 bases into the intron after coding-DNA position 3750, C replaced by T.
Molecular consequence: intron variant.
Genome position (GRCh38, 1-based): chr11:77,190,143, C>T. VCF-style: chr11-77190143-C-T. GRCh37 (hg19) VCF-style: chr11-76901188-C-T.
Other names: c.3717+4C>T (NM_001369365.1); c.3750+4C>T (NM_001127180.2).
Identifiers: ClinVar variation 970771 (VCV000970771.8), dbSNP rs764701863, ClinGen allele CA224843878.